The following is an entry in ClinVar:

NM_004453.4(ETFDH):c.1570_1571del (p.Leu524fs)

Gene: ETFDH (electron transfer flavoprotein dehydrogenase; plus strand). Cytogenetic location: 4q32.1.
Variant type: Microsatellite.
Coding change: c.1570_1571del on transcript NM_004453.4 (MANE Select); coding-DNA positions 1570 to 1571, 2 bases deleted (CT; older notation c.1570_1571delCT).
Protein change: p.Leu524fs; shifts the reading frame from leucine 524.
Molecular consequence: frameshift variant.
Genome position (GRCh38, 1-based): chr4:158,706,730-158,706,731, CT deleted; deleting any 2 consecutive bases within chr4:158,706,728-158,706,731 gives the same sequence; the c. name uses the placement nearest the transcript's 3' end. VCF-style (leftmost placement, unchanged base first): chr4-158706727-GCT-G. GRCh37 (hg19) VCF-style: chr4-159627879-GCT-G.
Other names: c.1570_1571delCT (NM_004453.3); c.1429_1430del, p.Leu477fs (NM_001281737.2); c.1387_1388del, p.Leu463fs (NM_001281738.1); short protein forms L477fs, L524fs, L463fs.
Identifiers: ClinVar variation 167042 (VCV000167042.14), dbSNP rs727503919, ClinGen allele CA233955.

ClinVar aggregate classification (germline): Pathogenic/Likely pathogenic. Review status: criteria provided, multiple submitters, no conflicts (2 of 4 stars). 5 submissions from 5 submitters: Pathogenic (4); Likely pathogenic (1). Last evaluated 2025-10-01.

Conditions:
Multiple acyl-CoA dehydrogenase deficiency (MADD). Also called: Glutaric Acidemia type 2; Glutaric aciduria, type 2; ETHYLMALONIC-ADIPICACIDURIA; GA II; Glutaric acidemia type II; GA 2. Identifiers: Orphanet 26791, MedGen C0268596, MONDO:0009282, OMIM 231680.

Submissions (5):

Labcorp Genetics (formerly Invitae), Labcorp
Classification: Pathogenic for Multiple acyl-CoA dehydrogenase deficiency. Last evaluated: 2025-10-01. Review status: criteria provided, single submitter. Criteria: Invitae Variant Classification Sherloc (09022015). Collection method: clinical testing. Allele origin: germline.
Comment: This sequence change creates a premature translational stop signal (p.Leu524Glufs*4) in the ETFDH gene. It is expected to result in an absent or disrupted protein product. Loss-of-function variants in ETFDH are known to be pathogenic (PMID: 16510302, 23785301). This variant is present in population databases (rs763417056, gnomAD 0.006%). This variant has not been reported in the literature in individuals affected with ETFDH-related conditions. For these reasons, this variant has been classified as Pathogenic.

Fulgent Genetics
Classification: Pathogenic for Multiple acyl-CoA dehydrogenase deficiency. Last evaluated: 2024-04-05. Review status: criteria provided, single submitter. Criteria: ACMG Guidelines, 2015. Collection method: clinical testing. Allele origin: germline.

Baylor Genetics
Classification: Pathogenic for Multiple acyl-CoA dehydrogenase deficiency. Last evaluated: 2023-05-26. Review status: criteria provided, single submitter. Criteria: ACMG Guidelines, 2015. Collection method: clinical testing. Allele origin: unknown.

Women's Health and Genetics/Laboratory Corporation of America, LabCorp
Classification: Likely pathogenic for Multiple acyl-CoA dehydrogenase deficiency. Last evaluated: 2023-04-15. Review status: criteria provided, single submitter. Criteria: LabCorp Variant Classification Summary - May 2015. Collection method: clinical testing. Allele origin: germline.
Comment: Variant summary: ETFDH c.1570_1571delCT (p.Leu524GlufsX4) results in a premature termination codon, predicted to cause a truncation of the encoded protein or absence of the protein due to nonsense mediated decay, which are commonly known mechanisms for disease. Truncations downstream of this position have been classified as pathogenic within ClinVar (e.g. c.1648_1649del [p.Leu550fs], c.1773_1774del [p.Thr591_Cys592insTer]). The variant allele was found at a frequency of 8e-06 in 251402 control chromosomes (gnomAD). To our knowledge, no occurrence of c.1570_1571delCT in individuals affected with Glutaric Aciduria, Type 2c and no experimental evidence demonstrating its impact on protein function have been reported. One ClinVar submitter has assessed the variant since 2014: the variant was classified as pathogenic. Based on the evidence outlined above, the variant was classified as likely pathogenic.

Eurofins Ntd Llc (ga)
Classification: Pathogenic. Last evaluated: 2014-02-10. Review status: criteria provided, single submitter. Criteria: EGL Classification Definitions. Collection method: clinical testing. Allele origin: germline. Observed: 1 variant allele, 1 heterozygote.

Literature cited by the submitters: PubMed 16510302 (cited by Labcorp Genetics (formerly Invitae), Labcorp); PubMed 23785301 (cited by Labcorp Genetics (formerly Invitae), Labcorp).